The following is an entry in ClinVar:

NM_001006658.3(CR2):c.1927C>T (p.Arg643Cys)

Gene: CR2 (complement C3d receptor 2; plus strand). Cytogenetic location: 1q32.2.
Variant type: single nucleotide variant.
Coding change: c.1927C>T on transcript NM_001006658.3 (MANE Select); coding-DNA position 1927, C replaced by T.
Protein change: p.Arg643Cys; replaces arginine 643 with cysteine.
Molecular consequence: missense variant.
Genome position (GRCh38, 1-based): chr1:207,473,128, C>T. VCF-style: chr1-207473128-C-T. GRCh37 (hg19) VCF-style: chr1-207646473-C-T.
Other names: c.1927C>T, p.Arg643Cys (NM_001877.5); short protein forms R643C.
Identifiers: ClinVar variation 937776 (VCV000937776.4), dbSNP rs1472639999, ClinGen allele CA344535365.

ClinVar aggregate classification (germline): Uncertain significance. Review status: criteria provided, multiple submitters, no conflicts (2 of 4 stars). 3 submissions from 3 submitters: Uncertain significance (3). Last evaluated 2023-04-11.

Conditions:
Inborn genetic diseases. Identifiers: MedGen C0950123, MeSH D030342.
Immunodeficiency, common variable, 7. Identifiers: Orphanet 1572, Orphanet 696894, MedGen C3542922, MONDO:0013862, OMIM 614699.

Allele frequency attached by ClinVar (database versions not stated): gnomAD exomes below 0.00001; gnomAD 0.00001; TOPMed below 0.00001.
gnomAD v4.1: 2 of 1,613,718 alleles (0.00012%); highest among the groups gnomAD compares: Non-Finnish European, 0.000085%; no homozygotes.

Submissions (3):

Genome-Nilou Lab
Classification: Uncertain significance for Immunodeficiency, common variable, 7. Last evaluated: 2023-04-11. Review status: criteria provided, single submitter. Criteria: ACMG Guidelines, 2015. Collection method: clinical testing. Allele origin: germline. Affected: no.

Ambry Genetics
Classification: Uncertain significance for Inborn genetic diseases. Last evaluated: 2021-10-26. Review status: criteria provided, single submitter. Criteria: Ambry Variant Classification Scheme 2023. Collection method: clinical testing. Allele origin: germline.

Labcorp Genetics (formerly Invitae), Labcorp
Classification: Uncertain significance for Common variable immunodeficiency 7. Last evaluated: 2019-08-15. Review status: criteria provided, single submitter. Criteria: Invitae Variant Classification Sherloc (09022015). Collection method: clinical testing. Allele origin: germline.
Comment: This sequence change replaces arginine with cysteine at codon 643 of the CR2 protein (p.Arg643Cys). The arginine residue is highly conserved and there is a large physicochemical difference between arginine and cysteine. This variant is not present in population databases (ExAC no frequency). This variant has not been reported in the literature in individuals with CR2-related conditions. Algorithms developed to predict the effect of missense changes on protein structure and function (SIFT, PolyPhen-2, Align-GVGD) all suggest that this variant is likely to be disruptive, but these predictions have not been confirmed by published functional studies and their clinical significance is uncertain. In summary, the available evidence is currently insufficient to determine the role of this variant in disease. Therefore, it has been classified as a Variant of Uncertain Significance.